The following is an entry in ClinVar:

NM_004523.4(KIF11):c.1288G>C (p.Glu430Gln)

Gene: KIF11 (kinesin family member 11; plus strand). Cytogenetic location: 10q23.33.
Variant type: single nucleotide variant.
Coding change: c.1288G>C on transcript NM_004523.4 (MANE Select); coding-DNA position 1288, G replaced by C.
Protein change: p.Glu430Gln; replaces glutamic acid 430 with glutamine.
Molecular consequence: missense variant.
Genome position (GRCh38, 1-based): chr10:92,628,878, G>C. VCF-style: chr10-92628878-G-C. GRCh37 (hg19) VCF-style: chr10-94388635-G-C.
Other names: short protein forms E430Q.
Identifiers: ClinVar variation 2636404 (VCV002636404.1), dbSNP rs767891884, ClinGen allele CA377591516.

ClinVar aggregate classification (germline): Uncertain significance (1 of 4 stars; one submission).

Conditions:
KIF11-related disorder. Also called: KIF11-related condition.

Submission:

PreventionGenetics, part of Exact Sciences
Classification: Uncertain significance for KIF11-related condition. Last evaluated: 2022-11-10. Review status: criteria provided, single submitter. Criteria: ACMG Guidelines, 2015. Collection method: clinical testing. Allele origin: germline.
Comment: The KIF11 c.1288G>C variant is predicted to result in the amino acid substitution p.Glu430Gln. To our knowledge, this variant has not been reported in the literature. This variant is reported in 0.00090% of alleles in individuals of European (Non-Finnish) descent in gnomAD. Of note, another variant impacting this same amino acid but leading to an in-frame deletion (p.Gln430del), was reported as de novo in a patient from an exudative vitreoretinopathy cohort study (Wang et al. 2022. PubMed ID: 35456519). At this time, the clinical significance of the c.1288G>C (p.Glu430Gln) variant is uncertain due to the absence of conclusive functional and genetic evidence.